The following is an entry in ClinVar:

NM_172240.3(POC1B):c.1290T>G (p.Asp430Glu)

Genes: POC1B (POC1 centriolar protein B; minus strand), POC1B-DUSP6 (POC1B-DUSP6 readthrough; minus strand). Cytogenetic location: 12q21.33.
Variant type: single nucleotide variant.
Coding change: c.1290T>G on transcript NM_172240.3 (MANE Select); coding-DNA position 1290, T replaced by G.
Protein change: p.Asp430Glu; replaces aspartic acid 430 with glutamic acid.
Molecular consequence: missense variant. On other transcripts: non-coding transcript variant (2).
Genome position (GRCh38, 1-based): chr12:89,425,203, A>C on the plus strand (T>G on the coding strand, the complement: POC1B is on the minus strand). VCF-style: chr12-89425203-A-C. GRCh37 (hg19) VCF-style: chr12-89818980-A-C.
Other names: c.1164T>G, p.Asp388Glu (NM_001199777.2); short protein forms D388E, D430E.
Identifiers: ClinVar variation 1511198 (VCV001511198.4), dbSNP rs539980702, ClinGen allele CA6714214.

ClinVar aggregate classification (germline): Uncertain significance (1 of 4 stars; one submission).

Allele frequency attached by ClinVar (database versions not stated): gnomAD exomes below 0.00001 and 0.00001; ExAC 0.00001; gnomAD 0.00001 and 0.00002; TOPMed 0.00001; 1000 Genomes Project 30x 0.00016; 1000 Genomes Project 0.00020.
gnomAD v4.1: 6 of 1,614,212 alleles (0.00037%); highest among the groups gnomAD compares: Admixed American, 0.01%; no homozygotes.

Submission:

Labcorp Genetics (formerly Invitae), Labcorp
Classification: Uncertain significance. Last evaluated: 2022-07-17. Review status: criteria provided, single submitter. Criteria: Invitae Variant Classification Sherloc (09022015). Collection method: clinical testing. Allele origin: germline.
Comment: In summary, the available evidence is currently insufficient to determine the role of this variant in disease. Therefore, it has been classified as a Variant of Uncertain Significance. Algorithms developed to predict the effect of missense changes on protein structure and function (SIFT, PolyPhen-2, Align-GVGD) all suggest that this variant is likely to be tolerated. ClinVar contains an entry for this variant (Variation ID: 1511198). This variant has not been reported in the literature in individuals affected with POC1B-related conditions. This variant is present in population databases (rs539980702, gnomAD 0.003%). This sequence change replaces aspartic acid, which is acidic and polar, with glutamic acid, which is acidic and polar, at codon 430 of the POC1B protein (p.Asp430Glu).